The following is an entry in ClinVar:

NM_006516.4(SLC2A1):c.574A>G (p.Ile192Val)

Gene: SLC2A1 (solute carrier family 2 member 1; minus strand). Cytogenetic location: 1p34.2.
Variant type: single nucleotide variant.
Coding change: c.574A>G on transcript NM_006516.4 (MANE Select); coding-DNA position 574, A replaced by G.
Protein change: p.Ile192Val; replaces isoleucine 192 with valine.
Molecular consequence: missense variant.
Genome position (GRCh38, 1-based): chr1:42,929,978, T>C on the plus strand (A>G on the coding strand, the complement: SLC2A1 is on the minus strand). VCF-style: chr1-42929978-T-C. GRCh37 (hg19) VCF-style: chr1-43395649-T-C.
Other names: short protein forms I192V.
Identifiers: ClinVar variation 641951 (VCV000641951.11), dbSNP rs746393667, ClinGen allele CA339958670.
Genomic context (GRCh38, chr1:42,929,978, plus strand): 5'-GGGGACTCTCGGGGCAGAAGGGCAGCACGATGCACTGCAGCAGGGCCGGGATGAAGATGA[T>C]GCTCAGCAGCAGGGGCCACAGGTCCTTGTTGCCCATGATGGAGTCCAGGCCGAACACCTG-3'
Protein context (NP_006507.2, residues 182-202): NKDLWPLLLS[Ile192Val]IFIPALLQCI

ClinVar aggregate classification (germline): Uncertain significance (1 of 4 stars; one submission).

Conditions:
GLUT1 deficiency syndrome 1, autosomal recessive. Identifiers: MedGen C3149117.

gnomAD v4.1: 1 of 1,614,090 alleles (0.000062%); highest among the groups gnomAD compares: Non-Finnish European, 0.000085%; no homozygotes.

Submission:

Labcorp Genetics (formerly Invitae), Labcorp
Classification: Uncertain significance for GLUT1 deficiency syndrome 1, autosomal recessive. Last evaluated: 2025-03-21. Review status: criteria provided, single submitter. Criteria: Invitae Variant Classification Sherloc (09022015). Collection method: clinical testing. Allele origin: germline.
Comment: This sequence change replaces isoleucine, which is neutral and non-polar, with valine, which is neutral and non-polar, at codon 192 of the SLC2A1 protein (p.Ile192Val). This variant is present in population databases (no rsID available, gnomAD 0.0009%). This variant has not been reported in the literature in individuals affected with SLC2A1-related conditions. ClinVar contains an entry for this variant (Variation ID: 641951). Invitae Evidence Modeling of protein sequence and biophysical properties (such as structural, functional, and spatial information, amino acid conservation, physicochemical variation, residue mobility, and thermodynamic stability) indicates that this missense variant is not expected to disrupt SLC2A1 protein function with a negative predictive value of 95%. In summary, the available evidence is currently insufficient to determine the role of this variant in disease. Therefore, it has been classified as a Variant of Uncertain Significance.